The following is an entry in ClinVar:

NM_001130144.3(LTBP3):c.3437G>C (p.Gly1146Ala)

Gene: LTBP3 (latent transforming growth factor beta binding protein 3; minus strand). Cytogenetic location: 11q13.1.
Variant type: single nucleotide variant.
Coding change: c.3437G>C on transcript NM_001130144.3 (MANE Select); coding-DNA position 3437, G replaced by C.
Protein change: p.Gly1146Ala; replaces glycine 1146 with alanine.
Molecular consequence: missense variant.
Genome position (GRCh38, 1-based): chr11:65,539,830, C>G on the plus strand (G>C on the coding strand, the complement: LTBP3 is on the minus strand). VCF-style: chr11-65539830-C-G. GRCh37 (hg19) VCF-style: chr11-65307301-C-G.
Other names: c.2945G>C, p.Gly982Ala (NM_001164266.1); c.3296G>C, p.Gly1099Ala (NM_021070.4); short protein forms G1146A, G1099A, G982A.
Identifiers: ClinVar variation 2854658 (VCV002854658.3), dbSNP rs926322628, ClinGen allele CA381266879.

ClinVar aggregate classification (germline): Uncertain significance (1 of 4 stars; one submission).

Conditions:
Brachyolmia-amelogenesis imperfecta syndrome. Also called: PLATYSPONDYLY WITH AMELOGENESIS IMPERFECTA; Tooth agenesis, selective, 6; Dental anomalies and short stature. Identifiers: Orphanet 2899, MedGen C1832594, MONDO:0011018, OMIM 601216. Disease mechanism: loss of function.

Submission:

Labcorp Genetics (formerly Invitae), Labcorp
Classification: Uncertain significance for Brachyolmia-amelogenesis imperfecta syndrome. Last evaluated: 2023-04-10. Review status: criteria provided, single submitter. Criteria: Invitae Variant Classification Sherloc (09022015). Collection method: clinical testing. Allele origin: germline.
Comment: In summary, the available evidence is currently insufficient to determine the role of this variant in disease. Therefore, it has been classified as a Variant of Uncertain Significance. An algorithm developed to predict the effect of missense changes on protein structure and function (PolyPhen-2) suggests that this variant is likely to be tolerated. This variant has not been reported in the literature in individuals affected with LTBP3-related conditions. This variant is not present in population databases (gnomAD no frequency). This sequence change replaces glycine, which is neutral and non-polar, with alanine, which is neutral and non-polar, at codon 1146 of the LTBP3 protein (p.Gly1146Ala).